The following is an entry in ClinVar:

NM_000209.4(PDX1):c.574A>C (p.Ile192Leu)

Gene: PDX1 (pancreatic and duodenal homeobox 1; plus strand). Cytogenetic location: 13q12.2.
Variant type: single nucleotide variant.
Coding change: c.574A>C on transcript NM_000209.4 (MANE Select); coding-DNA position 574, A replaced by C.
Protein change: p.Ile192Leu; replaces isoleucine 192 with leucine.
Molecular consequence: missense variant.
Genome position (GRCh38, 1-based): chr13:27,924,423, A>C. VCF-style: chr13-27924423-A-C. GRCh37 (hg19) VCF-style: chr13-28498560-A-C.
Other names: short protein forms I192L.
Identifiers: ClinVar variation 4993447 (VCV004993447.1).
Genomic context (GRCh38, chr13:27,924,423, plus strand): 5'-TCACGGCCGCGCCGGGTGGAGCTGGCTGTCATGTTGAACTTGACCGAGAGACACATCAAG[A>C]TCTGGTTCCAAAACCGCCGCATGAAGTGGAAAAAGGAGGAGGACAAGAAGCGCGGCGGCG-3'
Protein context (NP_000200.1, residues 182-202): MLNLTERHIK[Ile192Leu]WFQNRRMKWK

ClinVar aggregate classification (germline): Uncertain significance (1 of 4 stars; one submission).

Conditions:
PDX1-related disorder. Also called: PDX1-related condition; PDX1-related disorders.

Submission:

PreventionGenetics, part of Exact Sciences
Classification: Uncertain significance for PDX1-related condition. Last evaluated: 2026-09-16. Review status: criteria provided, single submitter. Criteria: ACMG Guidelines, 2015. Collection method: clinical testing. Allele origin: germline.
Comment: The PDX1 c.574A>C variant is predicted to result in the amino acid substitution p.Ile192Leu. To our knowledge, this variant has not been reported in the literature or in a large population database (gnomAD), indicating this variant is rare. At this time, the clinical significance of this variant is uncertain due to the absence of conclusive functional and genetic evidence.